The following is an entry in ClinVar:

ClinVar aggregate classification (germline): Benign/Likely benign. Review status: criteria provided, multiple submitters, no conflicts (2 of 4 stars). 5 submissions from 5 submitters: Benign (3); Likely benign (2). Last evaluated 2025-10-13.

Conditions:
RASopathy. Also called: rasopathies; Noonan spectrum disorder. Identifiers: Orphanet 536391, MedGen C5555857, MONDO:0021060.

Allele frequency attached by ClinVar (database versions not stated): gnomAD exomes 0.00010 and 0.00023; TOPMed 0.00012; gnomAD 0.00013 and 0.00014; ExAC 0.00044.
gnomAD v4.1: 165 of 1,572,436 alleles (0.01%); highest among the groups gnomAD compares: South Asian, 0.007%; 1 homozygote.

Submissions (5):

Labcorp Genetics (formerly Invitae), Labcorp
Classification: Benign for RASopathy. Last evaluated: 2025-10-13. Review status: criteria provided, single submitter. Criteria: Invitae Variant Classification Sherloc (09022015). Collection method: clinical testing. Allele origin: germline.

Blueprint Genetics
Classification: Likely benign. Last evaluated: 2024-04-22. Review status: criteria provided, single submitter. Criteria: ACMG Guidelines, 2015. Collection method: clinical testing. Allele origin: germline.

Women's Health and Genetics/Laboratory Corporation of America, LabCorp
Classification: Benign. Last evaluated: 2023-11-20. Review status: criteria provided, single submitter. Criteria: LabCorp Variant Classification Summary - May 2015. Collection method: clinical testing. Allele origin: germline.

GeneDx
Classification: Benign. Last evaluated: 2015-07-31. Review status: criteria provided, single submitter. Criteria: GeneDx Variant Classification (06012015). Collection method: clinical testing. Allele origin: germline. Affected: yes.
Comment: This variant is considered likely benign or benign based on one or more of the following criteria: it is a conservative change, it occurs at a poorly conserved position in the protein, it is predicted to be benign by multiple in silico algorithms, and/or has population frequency not consistent with disease.

PreventionGenetics, part of Exact Sciences
Classification: Likely benign. Review status: criteria provided, single submitter. Criteria: ACMG Guidelines, 2015. Collection method: clinical testing. Allele origin: germline.

NM_030662.4(MAP2K2):c.529-15C>T

Gene: MAP2K2 (mitogen-activated protein kinase kinase 2; minus strand). Cytogenetic location: 19p13.3.
Variant type: single nucleotide variant.
Coding change: c.529-15C>T on transcript NM_030662.4 (MANE Select); 15 bases into the intron before coding-DNA position 529, C replaced by T.
Molecular consequence: intron variant.
Genome position (GRCh38, 1-based): chr19:4,101,295, G>A on the plus strand (C>T on the coding strand, the complement: MAP2K2 is on the minus strand). VCF-style: chr19-4101295-G-A. GRCh37 (hg19) VCF-style: chr19-4101293-G-A.
Identifiers: ClinVar variation 261931 (VCV000261931.11), dbSNP rs778783152, ClinGen allele CA9090915.